The following is an entry in ClinVar:

ClinVar aggregate classification (germline): Uncertain significance. Review status: criteria provided, multiple submitters, no conflicts (2 of 4 stars). 3 submissions from 3 submitters: Uncertain significance (3). Last evaluated 2026-01-12.

Conditions:
Inborn genetic diseases. Identifiers: MedGen C0950123, MeSH D030342.
Developmental and epileptic encephalopathy, 12 (DEE12). Identifiers: MedGen C3150988, MONDO:0013389, OMIM 613722.

Allele frequency attached by ClinVar (database versions not stated): gnomAD 0.00001 and 0.00002; gnomAD exomes 0.00001 and 0.00002; TOPMed 0.00003; 1000 Genomes Project 30x 0.00062.
gnomAD v4.1: 32 of 1,559,280 alleles (0.0021%); highest among the groups gnomAD compares: Admixed American, 0.012%; no homozygotes.

Submissions (3):

Labcorp Genetics (formerly Invitae), Labcorp
Classification: Uncertain significance for Developmental and epileptic encephalopathy, 12. Last evaluated: 2026-01-12. Review status: criteria provided, single submitter. Criteria: Invitae Variant Classification Sherloc (09022015). Collection method: clinical testing. Allele origin: germline.
Comment: This sequence change replaces arginine, which is basic and polar, with glutamine, which is neutral and polar, at codon 259 of the PNKP protein (p.Arg259Gln). The frequency data for this variant in the population databases is considered unreliable, as metrics indicate poor data quality at this position in the gnomAD database. This variant has not been reported in the literature in individuals affected with PNKP-related conditions. ClinVar contains an entry for this variant (Variation ID: 578570). Invitae Evidence Modeling of protein sequence and biophysical properties (such as structural, functional, and spatial information, amino acid conservation, physicochemical variation, residue mobility, and thermodynamic stability) indicates that this missense variant is expected to disrupt PNKP protein function with a positive predictive value of 80%. In summary, the available evidence is currently insufficient to determine the role of this variant in disease. Therefore, it has been classified as a Variant of Uncertain Significance.

GeneDx
Classification: Uncertain significance. Last evaluated: 2021-04-16. Review status: criteria provided, single submitter. Criteria: GeneDx Variant Classification Process June 2021. Collection method: clinical testing. Allele origin: germline. Affected: yes.
Comment: Not observed at a significant frequency in large population cohorts (Lek et al., 2016); In silico analysis supports that this missense variant has a deleterious effect on protein structure/function; Has not been previously published as pathogenic or benign to our knowledge

Ambry Genetics
Classification: Uncertain significance for Inborn genetic diseases. Last evaluated: 2017-10-27. Review status: criteria provided, single submitter. Criteria: Ambry Variant Classification Scheme 2023. Collection method: clinical testing. Allele origin: germline.
Comment: The p.R259Q variant (also known as c.776G>A), located in coding exon 7 of the PNKP gene, results from a G to A substitution at nucleotide position 776. The arginine at codon 259 is replaced by glutamine, an amino acid with highly similar properties. This amino acid position is highly conserved in available vertebrate species. In addition, this alteration is predicted to be deleterious by in silico analysis. Since supporting evidence is limited at this time, the clinical significance of this alteration remains unclear.

NM_007254.4(PNKP):c.776G>A (p.Arg259Gln)

Gene: PNKP (polynucleotide kinase 3'-phosphatase; minus strand). Cytogenetic location: 19q13.33.
Variant type: single nucleotide variant.
Coding change: c.776G>A on transcript NM_007254.4 (MANE Select); coding-DNA position 776, G replaced by A.
Protein change: p.Arg259Gln; replaces arginine 259 with glutamine.
Molecular consequence: missense variant.
Genome position (GRCh38, 1-based): chr19:49,863,729, C>T on the plus strand (G>A on the coding strand, the complement: PNKP is on the minus strand). VCF-style: chr19-49863729-C-T. GRCh37 (hg19) VCF-style: chr19-50366986-C-T.
Other names: short protein forms R259Q.
Identifiers: ClinVar variation 578570 (VCV000578570.13), dbSNP rs1358481768, ClinGen allele CA406884161.